The following is an entry in ClinVar:

NM_003737.4(DCHS1):c.3601G>A (p.Val1201Met)

Gene: DCHS1 (dachsous cadherin-related 1; minus strand). Cytogenetic location: 11p15.4.
Variant type: single nucleotide variant.
Coding change: c.3601G>A on transcript NM_003737.4 (MANE Select); coding-DNA position 3601, G replaced by A.
Protein change: p.Val1201Met; replaces valine 1201 with methionine.
Molecular consequence: missense variant.
Genome position (GRCh38, 1-based): chr11:6,631,690, C>T on the plus strand (G>A on the coding strand, the complement: DCHS1 is on the minus strand). VCF-style: chr11-6631690-C-T. GRCh37 (hg19) VCF-style: chr11-6652921-C-T.
Other names: short protein forms V1201M.
Identifiers: ClinVar variation 3623025 (VCV003623025.2).

ClinVar aggregate classification (germline): Uncertain significance (1 of 4 stars; one submission).

gnomAD v4.1: 42 of 1,610,298 alleles (0.0026%); highest among the groups gnomAD compares: South Asian, 0.045%; 1 homozygote.

Submission:

Labcorp Genetics (formerly Invitae), Labcorp
Classification: Uncertain significance. Last evaluated: 2024-06-05. Review status: criteria provided, single submitter. Criteria: Invitae Variant Classification Sherloc (09022015). Collection method: clinical testing. Allele origin: germline.
Comment: This sequence change replaces valine, which is neutral and non-polar, with methionine, which is neutral and non-polar, at codon 1201 of the DCHS1 protein (p.Val1201Met). This variant is present in population databases (rs771943385, gnomAD 0.04%). This variant has not been reported in the literature in individuals affected with DCHS1-related conditions. Advanced modeling of protein sequence and biophysical properties (such as structural, functional, and spatial information, amino acid conservation, physicochemical variation, residue mobility, and thermodynamic stability) has been performed at Invitae for this missense variant, however the output from this modeling did not meet the statistical confidence thresholds required to predict the impact of this variant on DCHS1 protein function. In summary, the available evidence is currently insufficient to determine the role of this variant in disease. Therefore, it has been classified as a Variant of Uncertain Significance.